The following is an entry in ClinVar:

ClinVar aggregate classification (germline): Uncertain significance. Review status: criteria provided, multiple submitters, no conflicts (2 of 4 stars). 2 submissions from 2 submitters: Uncertain significance (2). Last evaluated 2025-05-16.

Conditions:
Inborn genetic diseases. Identifiers: MedGen C0950123, MeSH D030342.

Allele frequency attached by ClinVar (database versions not stated): gnomAD exomes 0.00001; TOPMed 0.00003; gnomAD 0.00005.
gnomAD v4.1: 28 of 1,614,004 alleles (0.0017%); highest among the groups gnomAD compares: Admixed American, 0.017%; no homozygotes.

Submissions (2):

Labcorp Genetics (formerly Invitae), Labcorp
Classification: Uncertain significance. Last evaluated: 2025-05-16. Review status: criteria provided, single submitter. Criteria: Invitae Variant Classification Sherloc (09022015). Collection method: clinical testing. Allele origin: germline.
Comment: This sequence change replaces leucine, which is neutral and non-polar, with proline, which is neutral and non-polar, at codon 1160 of the DUOX2 protein (p.Leu1160Pro). This variant is present in population databases (no rsID available, gnomAD 0.006%). This variant has not been reported in the literature in individuals affected with DUOX2-related conditions. ClinVar contains an entry for this variant (Variation ID: 2307561). Invitae Evidence Modeling of protein sequence and biophysical properties (such as structural, functional, and spatial information, amino acid conservation, physicochemical variation, residue mobility, and thermodynamic stability) indicates that this missense variant is expected to disrupt DUOX2 protein function with a positive predictive value of 80%. In summary, the available evidence is currently insufficient to determine the role of this variant in disease. Therefore, it has been classified as a Variant of Uncertain Significance.

Ambry Genetics
Classification: Uncertain significance for Inborn genetic diseases. Last evaluated: 2022-08-16. Review status: criteria provided, single submitter. Criteria: Ambry Variant Classification Scheme 2023. Collection method: clinical testing. Allele origin: germline.

NM_001363711.2(DUOX2):c.3479T>C (p.Leu1160Pro)

Gene: DUOX2 (dual oxidase 2; minus strand). Cytogenetic location: 15q21.1.
Variant type: single nucleotide variant.
Coding change: c.3479T>C on transcript NM_001363711.2 (MANE Select); coding-DNA position 3479, T replaced by C.
Protein change: p.Leu1160Pro; replaces leucine 1160 with proline.
Molecular consequence: missense variant.
Genome position (GRCh38, 1-based): chr15:45,099,419, A>G on the plus strand (T>C on the coding strand, the complement: DUOX2 is on the minus strand). VCF-style: chr15-45099419-A-G. GRCh37 (hg19) VCF-style: chr15-45391617-A-G.
Other names: c.3479T>C, p.Leu1160Pro (NM_014080.5); short protein forms L1160P.
Identifiers: ClinVar variation 2307561 (VCV002307561.5), dbSNP rs1247307816, ClinGen allele CA392258946.